The following is an entry in ClinVar:

ClinVar aggregate classification (germline): Uncertain significance (1 of 4 stars; one submission).

Conditions:
Mucopolysaccharidosis, MPS-III-D (MPS3D). Also called: Mucopoly-saccharidosis type 3D; N-acetylglucosamine-6-sulfate sulfatase deficiency; MPS 3D; MPS IIID (Sanfilippo Syndrome Type D); MUCOPOLYSACCHARIDOSIS, TYPE IIID; N-ACETYLGLUCOSAMINE-6-SULFATASE DEFICIENCY. Identifiers: Orphanet 581, Orphanet 79272, MedGen C0086650, MONDO:0009658, OMIM 252940.

Allele frequency attached by ClinVar (database versions not stated): gnomAD 0.00004; ExAC 0.00003; TOPMed 0.00005; gnomAD exomes 0.00009 and 0.00004.
gnomAD v4.1: 144 of 1,610,226 alleles (0.0089%); highest among the groups gnomAD compares: Non-Finnish European, 0.011%; no homozygotes.

Submission:

Labcorp Genetics (formerly Invitae), Labcorp
Classification: Uncertain significance for Mucopolysaccharidosis, MPS-III-D. Last evaluated: 2022-08-10. Review status: criteria provided, single submitter. Criteria: Invitae Variant Classification Sherloc (09022015). Collection method: clinical testing. Allele origin: germline.
Comment: This sequence change replaces valine, which is neutral and non-polar, with isoleucine, which is neutral and non-polar, at codon 109 of the GNS protein (p.Val109Ile). This variant is present in population databases (rs777717534, gnomAD 0.007%). This variant has not been reported in the literature in individuals affected with GNS-related conditions. ClinVar contains an entry for this variant (Variation ID: 1407588). Algorithms developed to predict the effect of missense changes on protein structure and function are either unavailable or do not agree on the potential impact of this missense change (SIFT: "Tolerated"; PolyPhen-2: "Probably Damaging"; Align-GVGD: "Class C0"). In summary, the available evidence is currently insufficient to determine the role of this variant in disease. Therefore, it has been classified as a Variant of Uncertain Significance.

NM_002076.4(GNS):c.325G>A (p.Val109Ile)

Gene: GNS (glucosamine (N-acetyl)-6-sulfatase; minus strand). Cytogenetic location: 12q14.3.
Variant type: single nucleotide variant.
Coding change: c.325G>A on transcript NM_002076.4 (MANE Select); coding-DNA position 325, G replaced by A.
Protein change: p.Val109Ile; replaces valine 109 with isoleucine.
Molecular consequence: missense variant.
Genome position (GRCh38, 1-based): chr12:64,747,846, C>T on the plus strand (G>A on the coding strand, the complement: GNS is on the minus strand). VCF-style: chr12-64747846-C-T. GRCh37 (hg19) VCF-style: chr12-65141626-C-T.
Other names: short protein forms V109I.
Identifiers: ClinVar variation 1407588 (VCV001407588.3), dbSNP rs777717534, ClinGen allele CA6669968.